The following is an entry in ClinVar:

ClinVar aggregate classification (germline): Benign. Review status: criteria provided, multiple submitters, no conflicts (2 of 4 stars). 2 submissions from 2 submitters: Benign (2). Last evaluated 2018-06-14.

Allele frequency attached by ClinVar (database versions not stated): gnomAD exomes 0.84109; 1000 Genomes Project 0.84245; 1000 Genomes Project 30x 0.84494; gnomAD 0.86437 and 0.86913; TOPMed 0.87110; ESP Exome Variant Server 0.87546.
gnomAD v4.1: 1,359,767 of 1,612,242 alleles (84%); highest among the groups gnomAD compares: African/African-American, 94%; 574,960 homozygotes.

Submissions (2):

GeneDx
Classification: Benign. Last evaluated: 2018-06-14. Review status: criteria provided, single submitter. Criteria: GeneDx Variant Classification (06012015). Collection method: clinical testing. Allele origin: germline. Affected: yes.
Comment: This variant is considered likely benign or benign based on one or more of the following criteria: it is a conservative change, it occurs at a poorly conserved position in the protein, it is predicted to be benign by multiple in silico algorithms, and/or has population frequency not consistent with disease.

Breakthrough Genomics
Classification: Benign. Review status: criteria provided, single submitter. Criteria: ACMG Guidelines, 2015. Collection method: not provided. Allele origin: germline. Inheritance: Autosomal dominant inheritance. Affected: yes.

NM_000088.4(COL1A1):c.1002+52A>G

Gene: COL1A1 (collagen type I alpha 1 chain; minus strand). Cytogenetic location: 17q21.33.
Variant type: single nucleotide variant.
Coding change: c.1002+52A>G on transcript NM_000088.4 (MANE Select); 52 bases into the intron after coding-DNA position 1002, A replaced by G.
Molecular consequence: intron variant.
Genome position (GRCh38, 1-based): chr17:50,196,103, T>C on the plus strand (A>G on the coding strand, the complement: COL1A1 is on the minus strand). VCF-style: chr17-50196103-T-C. GRCh37 (hg19) VCF-style: chr17-48273464-T-C.
Identifiers: ClinVar variation 674801 (VCV000674801.2), dbSNP rs2141279, ClinGen allele CA14380602.